The following is an entry in ClinVar:

NM_000276.4(OCRL):c.25G>A (p.Ala9Thr)

Genes: OCRL (OCRL inositol polyphosphate-5-phosphatase; plus strand), LOC113875008 (Sharpr-MPRA regulatory region 13828; plus strand). Cytogenetic location: Xq26.1.
Variant type: single nucleotide variant.
Coding change: c.25G>A on transcript NM_000276.4 (MANE Select); coding-DNA position 25, G replaced by A.
Protein change: p.Ala9Thr; replaces alanine 9 with threonine.
Molecular consequence: missense variant.
Genome position (GRCh38, 1-based): chrX:129,540,464, G>A. VCF-style: chrX-129540464-G-A. GRCh37 (hg19) VCF-style: chrX-128674441-G-A.
Other names: c.25G>A, p.Ala9Thr (NM_001318784.2, NM_001587.4); short protein forms A9T.
Identifiers: ClinVar variation 423653 (VCV000423653.2), dbSNP rs1064796554, ClinGen allele CA16621196.

ClinVar aggregate classification (germline): Uncertain significance (1 of 4 stars; one submission).

Submission:

GeneDx
Classification: Uncertain significance. Last evaluated: 2017-02-17. Review status: criteria provided, single submitter. Criteria: GeneDx Variant Classification (06012015). Collection method: clinical testing. Allele origin: germline. Affected: yes.
Comment: The A9T variant in the OCRL gene has not been reported previously as a pathogenic variant, nor as a benign variant, to our knowledge. The A9T variant is not observed in large population cohorts; however, limited data are available (Lek et al., 2016; 1000 Genomes Consortium et al., 2015; Exome Variant Server). The A9T variant is a non-conservative amino acid substitution, which is likely to impact secondary protein structure as these residues differ in polarity, charge, size and/or other properties. This substitution occurs at a position that is not conserved. In silico analysis is inconsistent in its predictions as to whether or not the variant is damaging to the protein structure/function. We interpret A9T as a variant of uncertain significance.